The following is an entry in ClinVar:

ClinVar aggregate classification (germline): Uncertain significance. Review status: criteria provided, multiple submitters, no conflicts (2 of 4 stars). 3 submissions from 3 submitters: Uncertain significance (3). Last evaluated 2026-04-06.

Conditions:
Inborn genetic diseases. Identifiers: MedGen C0950123, MeSH D030342.
ABCC2-related disorder. Also called: ABCC2-related condition.

Allele frequency attached by ClinVar (database versions not stated): gnomAD exomes 0.00001; ExAC 0.00002; gnomAD 0.00018; 1000 Genomes Project 0.00020; TOPMed 0.00030; 1000 Genomes Project 30x 0.00031.
gnomAD v4.1: 44 of 1,614,222 alleles (0.0027%); highest among the groups gnomAD compares: Admixed American, 0.048%; no homozygotes.

Submissions (3):

PreventionGenetics, part of Exact Sciences
Classification: Uncertain significance for ABCC2-related condition. Last evaluated: 2026-04-06. Review status: criteria provided, single submitter. Criteria: ACMG Guidelines, 2015. Collection method: clinical testing. Allele origin: germline.
Comment: The ABCC2 c.2723G>A variant is predicted to result in the amino acid substitution p.Ser908Asn. To our knowledge, this variant has not been reported in the literature. This variant is reported in 0.0018% of alleles in individuals of European (Non-Finnish) descent in gnomAD. At this time, the clinical significance of this variant is uncertain due to the absence of conclusive functional and genetic evidence.

Ambry Genetics
Classification: Uncertain significance for Inborn genetic diseases. Last evaluated: 2024-09-26. Review status: criteria provided, single submitter. Criteria: Ambry Variant Classification Scheme 2023. Collection method: clinical testing. Allele origin: germline.

Labcorp Genetics (formerly Invitae), Labcorp
Classification: Uncertain significance. Last evaluated: 2024-03-29. Review status: criteria provided, single submitter. Criteria: Invitae Variant Classification Sherloc (09022015). Collection method: clinical testing. Allele origin: germline.
Comment: This sequence change replaces serine, which is neutral and polar, with asparagine, which is neutral and polar, at codon 908 of the ABCC2 protein (p.Ser908Asn). This variant is present in population databases (rs574891402, gnomAD 0.002%). This variant has not been reported in the literature in individuals affected with ABCC2-related conditions. ClinVar contains an entry for this variant (Variation ID: 2341005). Advanced modeling of protein sequence and biophysical properties (such as structural, functional, and spatial information, amino acid conservation, physicochemical variation, residue mobility, and thermodynamic stability) performed at Invitae indicates that this missense variant is not expected to disrupt ABCC2 protein function with a negative predictive value of 80%. In summary, the available evidence is currently insufficient to determine the role of this variant in disease. Therefore, it has been classified as a Variant of Uncertain Significance.

NM_000392.5(ABCC2):c.2723G>A (p.Ser908Asn)

Genes: ABCC2 (ATP binding cassette subfamily C member 2; plus strand), LOC126861012 (BRD4-independent group 4 enhancer GRCh37_chr10:101589748-101590947; plus strand). Cytogenetic location: 10q24.2.
Variant type: single nucleotide variant.
Coding change: c.2723G>A on transcript NM_000392.5 (MANE Select); coding-DNA position 2723, G replaced by A.
Protein change: p.Ser908Asn; replaces serine 908 with asparagine.
Molecular consequence: missense variant.
Genome position (GRCh38, 1-based): chr10:99,830,409, G>A. VCF-style: chr10-99830409-G-A. GRCh37 (hg19) VCF-style: chr10-101590166-G-A.
Other names: c.2723G>A (NM_000392.4); short protein forms S908N.
Identifiers: ClinVar variation 2341005 (VCV002341005.5), dbSNP rs574891402, ClinGen allele CA5643562.